The following is an entry in ClinVar:

ClinVar aggregate classification (germline): Uncertain significance. Review status: criteria provided, multiple submitters, no conflicts (2 of 4 stars). 2 submissions from 2 submitters: Uncertain significance (2). Last evaluated 2025-04-16.

Conditions:
Hereditary cancer-predisposing syndrome. Also called: Neoplastic Syndromes, Hereditary; Hereditary Cancer Syndrome; Hereditary neoplastic syndrome; Tumor predisposition. Identifiers: Orphanet 140162, MedGen C0027672, MeSH D009386, MONDO:0015356.

Submissions (2):

Labcorp Genetics (formerly Invitae), Labcorp
Classification: Uncertain significance. Last evaluated: 2025-04-16. Review status: criteria provided, single submitter. Criteria: Invitae Variant Classification Sherloc (09022015). Collection method: clinical testing. Allele origin: germline.
Comment: This sequence change replaces asparagine, which is neutral and polar, with threonine, which is neutral and polar, at codon 257 of the CTNNA1 protein (p.Asn257Thr). This variant is not present in population databases (gnomAD no frequency). This variant has not been reported in the literature in individuals affected with CTNNA1-related conditions. ClinVar contains an entry for this variant (Variation ID: 1061409). Invitae Evidence Modeling of protein sequence and biophysical properties (such as structural, functional, and spatial information, amino acid conservation, physicochemical variation, residue mobility, and thermodynamic stability) indicates that this missense variant is not expected to disrupt CTNNA1 protein function with a negative predictive value of 80%. In summary, the available evidence is currently insufficient to determine the role of this variant in disease. Therefore, it has been classified as a Variant of Uncertain Significance.

Ambry Genetics
Classification: Uncertain significance for Hereditary cancer-predisposing syndrome. Last evaluated: 2024-08-06. Review status: criteria provided, single submitter. Criteria: Ambry Variant Classification Scheme 2023. Collection method: clinical testing. Allele origin: germline.
Comment: The p.N257T variant (also known as c.770A>C), located in coding exon 5 of the CTNNA1 gene, results from an A to C substitution at nucleotide position 770. The asparagine at codon 257 is replaced by threonine, an amino acid with similar properties. This amino acid position is conserved. In addition, this alteration is predicted to be tolerated by in silico analysis. Based on the available evidence, the clinical significance of this variant remains unclear.

NM_001903.5(CTNNA1):c.770A>C (p.Asn257Thr)

Gene: CTNNA1 (catenin alpha 1; plus strand). Cytogenetic location: 5q31.2.
Variant type: single nucleotide variant.
Coding change: c.770A>C on transcript NM_001903.5 (MANE Select); coding-DNA position 770, A replaced by C.
Protein change: p.Asn257Thr; replaces asparagine 257 with threonine.
Molecular consequence: missense variant.
Genome position (GRCh38, 1-based): chr5:138,824,711, A>C. VCF-style: chr5-138824711-A-C. GRCh37 (hg19) VCF-style: chr5-138160400-A-C.
Other names: c.770A>C, p.Asn257Thr (NM_001290307.3, NM_001323982.2, NM_001323983.1 and 3 more transcripts); c.461A>C, p.Asn154Thr (NM_001290309.3); c.401A>C, p.Asn134Thr (NM_001290310.3); c.770A>C (NM_001903.2); short protein forms N134T, N154T, N257T.
Identifiers: ClinVar variation 1061409 (VCV001061409.10), dbSNP rs78627784, ClinGen allele CA361129970.